The following is an entry in ClinVar:

NM_015466.4(PTPN23):c.4585C>T (p.Leu1529Phe)

Gene: PTPN23 (protein tyrosine phosphatase non-receptor type 23; plus strand). Cytogenetic location: 3p21.31.
Variant type: single nucleotide variant.
Coding change: c.4585C>T on transcript NM_015466.4 (MANE Select); coding-DNA position 4585, C replaced by T.
Protein change: p.Leu1529Phe; replaces leucine 1529 with phenylalanine.
Molecular consequence: missense variant.
Genome position (GRCh38, 1-based): chr3:47,412,859, C>T. VCF-style: chr3-47412859-C-T. GRCh37 (hg19) VCF-style: chr3-47454349-C-T.
Other names: c.4585C>T (NM_015466.2); c.4207C>T, p.Leu1403Phe (NM_001304482.2); short protein forms L1529F, L1403F.
Identifiers: ClinVar variation 1422839 (VCV001422839.5), dbSNP rs377029588, ClinGen allele CA2366637.
Genomic context (GRCh38, chr3:47,412,859, plus strand): 5'-CCTCCTGGGGGGTTGGAGTCCCCGGTTGCCAGCTTGCCAGGCCCTGCAGAGCCCCCAGGC[C>T]TCCCGCCAGCCAGCCTCCCAGAGTCTACCCCAATCCCATCTTCCTCCCCGCCCCCCCTTT-3'
Protein context (NP_056281.1, residues 1519-1539): SLPGPAEPPG[Leu1529Phe]PPASLPESTP

ClinVar aggregate classification (germline): Uncertain significance. Review status: criteria provided, multiple submitters, no conflicts (2 of 4 stars). 3 submissions from 3 submitters: Uncertain significance (3). Last evaluated 2025-08-10.

Conditions:
Inborn genetic diseases. Identifiers: MedGen C0950123, MeSH D030342.

Allele frequency attached by ClinVar (database versions not stated): gnomAD exomes below 0.00001 and 0.00001; ExAC 0.00001; gnomAD 0.00005 and 0.00006; TOPMed 0.00005.
gnomAD v4.1: 23 of 1,613,398 alleles (0.0014%); highest among the groups gnomAD compares: African/African-American, 0.024%; no homozygotes.

Submissions (3):

Ambry Genetics
Classification: Uncertain significance for Inborn genetic diseases. Last evaluated: 2025-08-10. Review status: criteria provided, single submitter. Criteria: Ambry Variant Classification Scheme 2023. Collection method: clinical testing. Allele origin: germline.

Labcorp Genetics (formerly Invitae), Labcorp
Classification: Uncertain significance. Last evaluated: 2022-09-01. Review status: criteria provided, single submitter. Criteria: Invitae Variant Classification Sherloc (09022015). Collection method: clinical testing. Allele origin: germline.
Comment: This sequence change replaces leucine, which is neutral and non-polar, with phenylalanine, which is neutral and non-polar, at codon 1529 of the PTPN23 protein (p.Leu1529Phe). This variant is present in population databases (rs377029588, gnomAD 0.01%). This variant has not been reported in the literature in individuals affected with PTPN23-related conditions. ClinVar contains an entry for this variant (Variation ID: 1422839). Algorithms developed to predict the effect of missense changes on protein structure and function are either unavailable or do not agree on the potential impact of this missense change (SIFT: "Tolerated"; PolyPhen-2: "Not Available"; Align-GVGD: "Class C0"). In summary, the available evidence is currently insufficient to determine the role of this variant in disease. Therefore, it has been classified as a Variant of Uncertain Significance.

Blueprint Genetics
Classification: Uncertain significance. Last evaluated: 2021-05-14. Review status: criteria provided, single submitter. Criteria: ACMG Guidelines, 2015. Collection method: clinical testing. Allele origin: germline.